The following is an entry in ClinVar:

NM_022114.4(PRDM16):c.342G>A (p.Val114=)

Gene: PRDM16 (PR/SET domain 16; plus strand). Cytogenetic location: 1p36.32.
Variant type: single nucleotide variant.
Coding change: c.342G>A on transcript NM_022114.4 (MANE Select); coding-DNA position 342, G replaced by A.
Protein change: p.Val114=; no amino-acid change (valine 114 retained).
Molecular consequence: synonymous variant.
Genome position (GRCh38, 1-based): chr1:3,186,429, G>A. VCF-style: chr1-3186429-G-A. GRCh37 (hg19) VCF-style: chr1-3102993-G-A.
Other names: c.342G>A, p.Val114= (NM_199454.3).
Identifiers: ClinVar variation 968062 (VCV000968062.15), dbSNP rs35186069, ClinGen allele CA543746.

ClinVar aggregate classification (germline): Benign/Likely benign. Review status: criteria provided, multiple submitters, no conflicts (2 of 4 stars). 5 submissions from 5 submitters: Benign (1); Likely benign (1). 3 of the submissions do not count toward it. Last evaluated 2026-01-25.

Conditions:
PRDM16-related disorder. Also called: PRDM16-related condition.
Left ventricular noncompaction 8 (LVNC8). Identifiers: Orphanet 154, Orphanet 54260, MedGen C3809288, MONDO:0014152, OMIM 615373.

Allele frequency attached by ClinVar (database versions not stated): gnomAD exomes 0.00003 and 0.00008; ExAC 0.00005; 1000 Genomes Project 30x 0.00016; 1000 Genomes Project 0.00020; ESP Exome Variant Server 0.00025; TOPMed 0.00032; gnomAD 0.00041 and 0.00042.
gnomAD v4.1: 102 of 1,570,940 alleles (0.0065%); highest among the groups gnomAD compares: African/African-American, 0.13%; 1 homozygote.

Submissions (5):

Labcorp Genetics (formerly Invitae), Labcorp
Classification: Likely benign for Left ventricular noncompaction 8. Last evaluated: 2026-01-25. Review status: criteria provided, single submitter. Criteria: Invitae Variant Classification Sherloc (09022015). Collection method: clinical testing. Allele origin: germline.

Women's Health and Genetics/Laboratory Corporation of America, LabCorp
Classification: Benign. Last evaluated: 2025-01-25. Review status: criteria provided, single submitter. Criteria: LabCorp Variant Classification Summary - May 2015. Collection method: clinical testing. Allele origin: germline.

PreventionGenetics, part of Exact Sciences
Classification: Likely benign for PRDM16-related condition. Last evaluated: 2022-03-02. Review status: no assertion criteria provided. Collection method: clinical testing. Allele origin: germline. Not counted in ClinVar's aggregate classification.
Comment: This variant is classified as likely benign based on ACMG/AMP sequence variant interpretation guidelines (Richards et al. 2015 PMID: 25741868, with internal and published modifications).

Clinical Genetics DNA and cytogenetics Diagnostics Lab, Erasmus MC, Erasmus Medical Center
Classification: Likely benign. Review status: no assertion criteria provided. Collection method: clinical testing. Allele origin: germline. Affected: yes. Study: VKGL Data-share Consensus. Not counted in ClinVar's aggregate classification.

Clinical Genetics, Academic Medical Center
Classification: Benign. Review status: no assertion criteria provided. Collection method: clinical testing. Allele origin: germline. Affected: yes. Study: VKGL Data-share Consensus. Not counted in ClinVar's aggregate classification.